The following is an entry in ClinVar:

ClinVar aggregate classification (germline): Uncertain significance (1 of 4 stars; one submission).

Allele frequency attached by ClinVar (database versions not stated): ExAC 0.00003; gnomAD 0.00003; gnomAD exomes 0.00003; TOPMed 0.00003; ESP Exome Variant Server 0.00008; 1000 Genomes Project 30x 0.00016; 1000 Genomes Project 0.00020.
gnomAD v4.1: 48 of 1,613,586 alleles (0.003%); highest among the groups gnomAD compares: Middle Eastern, 0.018%; no homozygotes.

Submission:

CeGaT Center for Human Genetics Tuebingen
Classification: Uncertain significance. Last evaluated: 2023-08-01. Review status: criteria provided, single submitter. Criteria: CeGaT Center For Human Genetics Tuebingen Variant Classification Criteria Version 2. Collection method: clinical testing. Allele origin: germline. Affected: yes. Observed: 1 variant allele.
Comment: SLIT3: PM2, BP4

NM_003062.4(SLIT3):c.4321G>A (p.Glu1441Lys)

Gene: SLIT3 (slit guidance ligand 3; minus strand). Cytogenetic location: 5q34.
Variant type: single nucleotide variant.
Coding change: c.4321G>A on transcript NM_003062.4 (MANE Select); coding-DNA position 4321, G replaced by A.
Protein change: p.Glu1441Lys; replaces glutamic acid 1441 with lysine.
Molecular consequence: missense variant.
Genome position (GRCh38, 1-based): chr5:168,669,798, C>T on the plus strand (G>A on the coding strand, the complement: SLIT3 is on the minus strand). VCF-style: chr5-168669798-C-T. GRCh37 (hg19) VCF-style: chr5-168096803-C-T.
Other names: c.4342G>A, p.Glu1448Lys (NM_001271946.2); short protein forms E1441K, E1448K.
Identifiers: ClinVar variation 2656044 (VCV002656044.24), dbSNP rs180813266, ClinGen allele CA3550667.
Genomic context (GRCh38, chr5:168,669,798, plus strand): 5'-ACTCTGACCCCCACTTCCTCCCTCCCACAGGCACAGTAGACCCACCTTGTTGGCAGTGCT[C>T]GCCGCTAAAGCCGGGCTGGCACAGGCAGTAGGGCTCCCCTTGGTCTGAGATGTGGCACTG-3'
Protein context (NP_003053.2, residues 1431-1451): YCLCQPGFSG[Glu1441Lys]HCQQENPCLG